The following is an entry in ClinVar:

ClinVar aggregate classification (germline): Likely benign. Review status: criteria provided, single submitter (1 of 4 stars). 2 submissions from 2 submitters: Likely benign (1). 1 of the submissions does not count toward it. Last evaluated 2025-07-22.

Conditions:
ADSS1-related disorder. Also called: ADSS1-related condition.

Allele frequency attached by ClinVar (database versions not stated): gnomAD exomes below 0.00001; ExAC 0.00001; TOPMed 0.00001.
gnomAD v4.1: 3 of 1,612,284 alleles (0.00019%); highest among the groups gnomAD compares: Non-Finnish European, 0.00017%; no homozygotes.

Submissions (2):

Labcorp Genetics (formerly Invitae), Labcorp
Classification: Likely benign. Last evaluated: 2025-07-22. Review status: criteria provided, single submitter. Criteria: Invitae Variant Classification Sherloc (09022015). Collection method: clinical testing. Allele origin: germline.

PreventionGenetics, part of Exact Sciences
Classification: Likely benign for ADSS1-related condition. Last evaluated: 2019-05-29. Review status: no assertion criteria provided. Collection method: clinical testing. Allele origin: germline. Not counted in ClinVar's aggregate classification.
Comment: This variant is classified as likely benign based on ACMG/AMP sequence variant interpretation guidelines (Richards et al. 2015 PMID: 25741868, with internal and published modifications).

NM_152328.5(ADSS1):c.948+7C>G

Gene: ADSS1 (adenylosuccinate synthase 1; plus strand). Cytogenetic location: 14q32.33.
Variant type: single nucleotide variant.
Coding change: c.948+7C>G on transcript NM_152328.5 (MANE Select); 7 bases into the intron after coding-DNA position 948, C replaced by G.
Molecular consequence: intron variant.
Genome position (GRCh38, 1-based): chr14:104,742,009, C>G. VCF-style: chr14-104742009-C-G. GRCh37 (hg19) VCF-style: chr14-105208346-C-G.
Other names: c.1077+7C>G (NM_199165.2); c.333+7C>G (NM_001320424.1).
Identifiers: ClinVar variation 3042018 (VCV003042018.3), dbSNP rs751873457, ClinGen allele CA7373928.